The following is an entry in ClinVar:

ClinVar aggregate classification (germline): Conflicting classifications of pathogenicity. Review status: criteria provided, conflicting classifications (1 of 4 stars). 2 submissions from 2 submitters: Uncertain significance (1); Likely benign (1). Last evaluated 2024-02-25.

Conditions:
Long QT syndrome (LQTS). Identifiers: MedGen C0023976, MeSH D008133, MONDO:0002442. Disease mechanism: loss of function. Inheritance: Various modes of inheritance.
Cardiovascular phenotype. Identifiers: MedGen CN230736.

Allele frequency attached by ClinVar (database versions not stated): gnomAD exomes 0.00002.
gnomAD v4.1: 30 of 1,614,042 alleles (0.0019%); highest among the groups gnomAD compares: Non-Finnish European, 0.0025%; no homozygotes.

Submissions (2):

Labcorp Genetics (formerly Invitae), Labcorp
Classification: Uncertain significance for Long QT syndrome. Last evaluated: 2024-02-25. Review status: criteria provided, single submitter. Criteria: Invitae Variant Classification Sherloc (09022015). Collection method: clinical testing. Allele origin: germline.
Comment: This sequence change replaces proline, which is neutral and non-polar, with serine, which is neutral and polar, at codon 1825 of the ANK2 protein (p.Pro1825Ser). This variant is not present in population databases (gnomAD no frequency). This variant has not been reported in the literature in individuals affected with ANK2-related conditions. ClinVar contains an entry for this variant (Variation ID: 1747755). Algorithms developed to predict the effect of missense changes on protein structure and function output the following: SIFT: "Not Available"; PolyPhen-2: "Benign"; Align-GVGD: "Not Available". The serine amino acid residue is found in multiple mammalian species, which suggests that this missense change does not adversely affect protein function. In summary, the available evidence is currently insufficient to determine the role of this variant in disease. Therefore, it has been classified as a Variant of Uncertain Significance.

Ambry Genetics
Classification: Likely benign for Cardiovascular phenotype. Last evaluated: 2021-11-22. Review status: criteria provided, single submitter. Criteria: Ambry Variant Classification Scheme 2023. Collection method: clinical testing. Allele origin: germline.

NM_001148.6(ANK2):c.5473C>T (p.Pro1825Ser)

Genes: ANK2 (ankyrin 2; plus strand), LOC126807136 (MED14-independent group 3 enhancer GRCh37_chr4:114274931-114276130; plus strand). Cytogenetic location: 4q26.
Variant type: single nucleotide variant.
Coding change: c.5473C>T on transcript NM_001148.6 (MANE Select); coding-DNA position 5473, C replaced by T.
Protein change: p.Pro1825Ser; replaces proline 1825 with serine.
Molecular consequence: missense variant. On other transcripts: intron variant (68).
Genome position (GRCh38, 1-based): chr4:113,354,091, C>T. VCF-style: chr4-113354091-C-T. GRCh37 (hg19) VCF-style: chr4-114275247-C-T.
Other names: c.5239C>T, p.Pro1747Ser (NM_001386142.1); c.1873C>T, p.Pro625Ser (NM_001386166.1); c.5614C>T, p.Pro1872Ser (NM_001386174.1); c.5590C>T, p.Pro1864Ser (NM_001386175.1); c.4411+3842C>T (NM_001386186.2, NM_001386148.2); c.4213+3842C>T (NM_001354269.3); c.4291+3842C>T (NM_001386187.2); c.4252+3842C>T (NM_001386147.1); and 35 more; short protein forms P1864S, P1872S, P1747S, P1825S, P625S.
Identifiers: ClinVar variation 1747755 (VCV001747755.7), dbSNP rs750346186, ClinGen allele CA103812330.